The following is an entry in ClinVar:

ClinVar aggregate classification (germline): Benign. Review status: criteria provided, multiple submitters, no conflicts (2 of 4 stars). 3 submissions from 3 submitters: Benign (2). 1 of the submissions does not count toward it. Last evaluated 2019-12-31.

Conditions:
BDH1-related disorder. Also called: BDH1-related condition.

Allele frequency attached by ClinVar (database versions not stated): gnomAD exomes 0.00089; ExAC 0.00102; gnomAD 0.00342 and 0.00372; 1000 Genomes Project 0.00379; 1000 Genomes Project 30x 0.00390; TOPMed 0.00433; ESP Exome Variant Server 0.00454.
gnomAD v4.1: 1,017 of 1,612,816 alleles (0.063%); highest among the groups gnomAD compares: African/African-American, 1.1%; 6 homozygotes.

Submissions (3):

Labcorp Genetics (formerly Invitae), Labcorp
Classification: Benign. Last evaluated: 2019-12-31. Review status: criteria provided, single submitter. Criteria: Invitae Variant Classification Sherloc (09022015). Collection method: clinical testing. Allele origin: germline.

Breakthrough Genomics
Classification: Benign. Review status: criteria provided, single submitter. Criteria: ACMG Guidelines, 2015. Collection method: not provided. Allele origin: germline. Inheritance: Unknown mechanism. Affected: yes.

PreventionGenetics, part of Exact Sciences
Classification: Benign for BDH1-related condition. Last evaluated: 2019-03-12. Review status: no assertion criteria provided. Collection method: clinical testing. Allele origin: germline. Not counted in ClinVar's aggregate classification.
Comment: This variant is classified as benign based on ACMG/AMP sequence variant interpretation guidelines (Richards et al. 2015 PMID: 25741868, with internal and published modifications).

NM_203314.3(BDH1):c.643G>A (p.Val215Ile)

Gene: BDH1 (3-hydroxybutyrate dehydrogenase 1). Cytogenetic location: 3q29.
Variant type: single nucleotide variant.
Coding change: c.643G>A on transcript NM_203314.3 (MANE Select); coding-DNA position 643, G replaced by A.
Protein change: p.Val215Ile; replaces valine 215 with isoleucine.
Molecular consequence: missense variant.
Genome position (GRCh38, 1-based): chr3:197,512,284, C>T on the plus strand (G>A on the coding strand, the complement: BDH1 is on the minus strand). VCF-style: chr3-197512284-C-T. GRCh37 (hg19) VCF-style: chr3-197239155-C-T.
Other names: c.643G>A, p.Val215Ile (NM_004051.5, NM_203315.3); short protein forms V215I.
Identifiers: ClinVar variation 715597 (VCV000715597.7), dbSNP rs114600793, ClinGen allele CA2786060.